The following is an entry in ClinVar:

ClinVar aggregate classification (germline): Uncertain significance. Review status: criteria provided, multiple submitters, no conflicts (2 of 4 stars). 2 submissions from 2 submitters: Uncertain significance (2). Last evaluated 2022-08-15.

Conditions:
Autosomal recessive spastic paraplegia type 78. Identifiers: Orphanet 513436, MedGen C5567893, MONDO:0014975, OMIM 617225.
Kufor-Rakeb syndrome (KRS). Also called: PARKINSON DISEASE 9, AUTOSOMAL RECESSIVE, JUVENILE-ONSET. Identifiers: Orphanet 306674, Orphanet 314632, MedGen C1847640, MONDO:0011706, OMIM 606693.

Allele frequency attached by ClinVar (database versions not stated): ExAC 0.00002; gnomAD exomes 0.00002 and 0.00003; TOPMed 0.00002.
gnomAD v4.1: 38 of 1,614,106 alleles (0.0024%); highest among the groups gnomAD compares: East Asian, 0.011%; no homozygotes.

Submissions (2):

Labcorp Genetics (formerly Invitae), Labcorp
Classification: Uncertain significance for Kufor-Rakeb syndrome; Autosomal recessive spastic paraplegia type 78. Last evaluated: 2022-08-15. Review status: criteria provided, single submitter. Criteria: Invitae Variant Classification Sherloc (09022015). Collection method: clinical testing. Allele origin: germline.
Comment: In summary, the available evidence is currently insufficient to determine the role of this variant in disease. Therefore, it has been classified as a Variant of Uncertain Significance. Advanced modeling of protein sequence and biophysical properties (such as structural, functional, and spatial information, amino acid conservation, physicochemical variation, residue mobility, and thermodynamic stability) performed at Invitae indicates that this missense variant is not expected to disrupt ATP13A2 protein function. ClinVar contains an entry for this variant (Variation ID: 293790). This variant has not been reported in the literature in individuals affected with ATP13A2-related conditions. This variant is present in population databases (rs752000462, gnomAD 0.004%). This sequence change replaces threonine, which is neutral and polar, with methionine, which is neutral and non-polar, at codon 481 of the ATP13A2 protein (p.Thr481Met).

Illumina Laboratory Services, Illumina
Classification: Uncertain significance for Kufor-Rakeb syndrome. Last evaluated: 2018-01-13. Review status: criteria provided, single submitter. Criteria: ICSL Variant Classification Criteria 13 December 2019. Collection method: clinical testing. Allele origin: germline.

NM_022089.4(ATP13A2):c.1442C>T (p.Thr481Met)

Gene: ATP13A2 (ATPase cation transporting 13A2; minus strand). Cytogenetic location: 1p36.13.
Variant type: single nucleotide variant.
Coding change: c.1442C>T on transcript NM_022089.4 (MANE Select); coding-DNA position 1442, C replaced by T.
Protein change: p.Thr481Met; replaces threonine 481 with methionine.
Molecular consequence: missense variant.
Genome position (GRCh38, 1-based): chr1:16,996,076, G>A on the plus strand (C>T on the coding strand, the complement: ATP13A2 is on the minus strand). VCF-style: chr1-16996076-G-A. GRCh37 (hg19) VCF-style: chr1-17322571-G-A.
Other names: c.1427C>T, p.Thr476Met (NM_001141973.3, NM_001141974.3); short protein forms T481M, T476M.
Identifiers: ClinVar variation 293790 (VCV000293790.9), dbSNP rs752000462, ClinGen allele CA637206.